The following is an entry in ClinVar:

NM_000321.3(RB1):c.1946T>C (p.Leu649Pro)

Gene: RB1 (RB transcriptional corepressor 1; plus strand). Cytogenetic location: 13q14.2.
Variant type: single nucleotide variant.
Coding change: c.1946T>C on transcript NM_000321.3 (MANE Select); coding-DNA position 1946, T replaced by C.
Protein change: p.Leu649Pro; replaces leucine 649 with proline.
Molecular consequence: missense variant.
Genome position (GRCh38, 1-based): chr13:48,456,335, T>C. VCF-style: chr13-48456335-T-C. GRCh37 (hg19) VCF-style: chr13-49030471-T-C.
Other names: c.1946T>C, p.Leu649Pro (NM_001407165.1); short protein forms L649P.
Identifiers: ClinVar variation 1783138 (VCV001783138.8), dbSNP rs768484859, ClinGen allele CA388166247.

ClinVar aggregate classification (germline): Uncertain significance. Review status: criteria provided, multiple submitters, no conflicts (2 of 4 stars). 2 submissions from 2 submitters: Uncertain significance (2). Last evaluated 2026-07-09.

Conditions:
Retinoblastoma (RB1). Also called: RETINOBLASTOMA, SOMATIC. Identifiers: Orphanet 790, MedGen C0035335, MeSH D012175, MONDO:0008380, OMIM 180200, HP:0009919. Disease mechanism: loss of function. Inheritance: Both sporadic and heritable forms are tested..
Hereditary cancer-predisposing syndrome. Also called: Hereditary Cancer Syndrome; Hereditary neoplastic syndrome; Neoplastic Syndromes, Hereditary; Tumor predisposition. Identifiers: Orphanet 140162, MedGen C0027672, MeSH D009386, MONDO:0015356.

Submissions (2):

Ambry Genetics
Classification: Uncertain significance for Hereditary cancer-predisposing syndrome. Last evaluated: 2026-07-09. Review status: criteria provided, single submitter. Criteria: Ambry Variant Classification Scheme 2023. Collection method: clinical testing. Allele origin: germline.
Comment: The p.L649P variant (also known as c.1946T>C), located in coding exon 19 of the RB1 gene, results from a T to C substitution at nucleotide position 1946. The leucine at codon 649 is replaced by proline, an amino acid with similar properties. This amino acid position is highly conserved in available vertebrate species. In addition, this alteration is predicted to be deleterious by in silico analysis. Based on the available evidence, the clinical significance of this variant remains unclear.

Labcorp Genetics (formerly Invitae), Labcorp
Classification: Uncertain significance for Retinoblastoma. Last evaluated: 2022-06-07. Review status: criteria provided, single submitter. Criteria: Invitae Variant Classification Sherloc (09022015). Collection method: clinical testing. Allele origin: germline.
Comment: This sequence change replaces leucine, which is neutral and non-polar, with proline, which is neutral and non-polar, at codon 649 of the RB1 protein (p.Leu649Pro). This variant is not present in population databases (gnomAD no frequency). This variant has not been reported in the literature in individuals affected with RB1-related conditions. Algorithms developed to predict the effect of missense changes on protein structure and function (SIFT, PolyPhen-2, Align-GVGD) all suggest that this variant is likely to be disruptive. In summary, the available evidence is currently insufficient to determine the role of this variant in disease. Therefore, it has been classified as a Variant of Uncertain Significance.